The following is an entry in ClinVar:

NM_019032.6(ADAMTSL4):c.3148G>A (p.Val1050Ile)

Gene: ADAMTSL4 (ADAMTS like 4; plus strand). Cytogenetic location: 1q21.2.
Variant type: single nucleotide variant.
Coding change: c.3148G>A on transcript NM_019032.6 (MANE Select); coding-DNA position 3148, G replaced by A.
Protein change: p.Val1050Ile; replaces valine 1050 with isoleucine.
Molecular consequence: missense variant.
Genome position (GRCh38, 1-based): chr1:150,560,119, G>A. VCF-style: chr1-150560119-G-A. GRCh37 (hg19) VCF-style: chr1-150532595-G-A.
Other names: c.3148G>A (NM_019032.4); c.3031G>A, p.Val1011Ile (NM_001288607.2); c.3217G>A, p.Val1073Ile (NM_001288608.2); c.3148G>A, p.Val1050Ile (NM_001378596.1); short protein forms V1050I, V1073I, V1011I.
Identifiers: ClinVar variation 1368331 (VCV001368331.4), dbSNP rs201941243, ClinGen allele CA1078967.

ClinVar aggregate classification (germline): Uncertain significance. Review status: criteria provided, multiple submitters, no conflicts (2 of 4 stars). 4 submissions from 3 submitters: Uncertain significance (4). Last evaluated 2023-04-11.

Conditions:
Ectopia lentis et pupillae. Also called: ECTOPIA LENTIS WITH ECTOPIA OF PUPIL. Identifiers: Orphanet 1885, MedGen C1644196, MONDO:0009153, OMIM 225200.
Inborn genetic diseases. Identifiers: MedGen C0950123, MeSH D030342.
Ectopia lentis 2, isolated, autosomal recessive (ECTOL2). Identifiers: Orphanet 1885, MedGen C3541474, MONDO:0009152, OMIM 225100.

Allele frequency attached by ClinVar (database versions not stated): gnomAD 0.00002; gnomAD exomes 0.00004 and 0.00005; TOPMed 0.00004; ExAC 0.00007.
gnomAD v4.1: 70 of 1,613,984 alleles (0.0043%); highest among the groups gnomAD compares: Middle Eastern, 0.049%; no homozygotes.

Submissions (4):

Genome-Nilou Lab
Classification: Uncertain significance for Ectopia lentis et pupillae. Last evaluated: 2023-04-11. Review status: criteria provided, single submitter. Criteria: ACMG Guidelines, 2015. Collection method: clinical testing. Allele origin: germline. Affected: no.

Genome-Nilou Lab
Classification: Uncertain significance for Ectopia lentis 2, isolated, autosomal recessive. Last evaluated: 2023-04-11. Review status: criteria provided, single submitter. Criteria: ACMG Guidelines, 2015. Collection method: clinical testing. Allele origin: germline. Affected: no.

Labcorp Genetics (formerly Invitae), Labcorp
Classification: Uncertain significance. Last evaluated: 2022-10-28. Review status: criteria provided, single submitter. Criteria: Invitae Variant Classification Sherloc (09022015). Collection method: clinical testing. Allele origin: germline.
Comment: This sequence change replaces valine, which is neutral and non-polar, with isoleucine, which is neutral and non-polar, at codon 1050 of the ADAMTSL4 protein (p.Val1050Ile). This variant is present in population databases (rs201941243, gnomAD 0.01%). This variant has not been reported in the literature in individuals affected with ADAMTSL4-related conditions. ClinVar contains an entry for this variant (Variation ID: 1368331). Algorithms developed to predict the effect of missense changes on protein structure and function (SIFT, PolyPhen-2, Align-GVGD) all suggest that this variant is likely to be disruptive. In summary, the available evidence is currently insufficient to determine the role of this variant in disease. Therefore, it has been classified as a Variant of Uncertain Significance.

Ambry Genetics
Classification: Uncertain significance for Inborn genetic diseases. Last evaluated: 2022-09-06. Review status: criteria provided, single submitter. Criteria: Ambry Variant Classification Scheme 2023. Collection method: clinical testing. Allele origin: germline.